The following is an entry in ClinVar:

NM_139057.4(ADAMTS17):c.3166G>A (p.Val1056Ile)

Gene: ADAMTS17 (ADAM metallopeptidase with thrombospondin type 1 motif 17; minus strand). Cytogenetic location: 15q26.3.
Variant type: single nucleotide variant.
Coding change: c.3166G>A on transcript NM_139057.4 (MANE Select); coding-DNA position 3166, G replaced by A.
Protein change: p.Val1056Ile; replaces valine 1056 with isoleucine.
Molecular consequence: missense variant.
Genome position (GRCh38, 1-based): chr15:99,974,524, C>T on the plus strand (G>A on the coding strand, the complement: ADAMTS17 is on the minus strand). VCF-style: chr15-99974524-C-T. GRCh37 (hg19) VCF-style: chr15-100514729-C-T.
Other names: short protein forms V1056I.
Identifiers: ClinVar variation 2059392 (VCV002059392.4), dbSNP rs1596124830, ClinGen allele CA393692155.
Genomic context (GRCh38, chr15:99,974,524, plus strand): 5'-AGCGCTGGTACCACCGCATGTCCTGGCAGAGGTTCTTTTCTCGGATGACCCGGCAATATA[C>T]CGTCCACTGGTCTCGTGTGCATTTGTAGGTCAGAGCAGCTAAGGGGATAGGAGAGAGAAT-3'
Protein context (NP_620688.2, residues 1046-1066): TYKCTRDQWT[Val1056Ile]YCRVIREKNL

ClinVar aggregate classification (germline): Uncertain significance (1 of 4 stars; one submission).

gnomAD v4.1: 10 of 1,614,222 alleles (0.00062%); highest among the groups gnomAD compares: East Asian, 0.022%; no homozygotes.

Submission:

Labcorp Genetics (formerly Invitae), Labcorp
Classification: Uncertain significance. Last evaluated: 2022-07-27. Review status: criteria provided, single submitter. Criteria: Invitae Variant Classification Sherloc (09022015). Collection method: clinical testing. Allele origin: germline.
Comment: This variant has not been reported in the literature in individuals affected with ADAMTS17-related conditions. In summary, the available evidence is currently insufficient to determine the role of this variant in disease. Therefore, it has been classified as a Variant of Uncertain Significance. Algorithms developed to predict the effect of missense changes on protein structure and function are either unavailable or do not agree on the potential impact of this missense change (SIFT: "Not Available"; PolyPhen-2: "Probably Damaging"; Align-GVGD: "Not Available"). This variant is not present in population databases (gnomAD no frequency). This sequence change replaces valine, which is neutral and non-polar, with isoleucine, which is neutral and non-polar, at codon 1056 of the ADAMTS17 protein (p.Val1056Ile).